The following is an entry in ClinVar:

ClinVar aggregate classification (germline): Uncertain significance (1 of 4 stars; one submission).

Conditions:
Cardiovascular phenotype. Identifiers: MedGen CN230736.

Submission:

Ambry Genetics
Classification: Uncertain significance for Cardiovascular phenotype. Last evaluated: 2022-02-03. Review status: criteria provided, single submitter. Criteria: Ambry Variant Classification Scheme 2023. Collection method: clinical testing. Allele origin: germline.
Comment: The c.1032+3A>G intronic variant results from an A to G substitution 3 nucleotides after coding exon 7 in the KCNQ1 gene. This alteration has been reported in a family with long QT syndrome (LQTS). In the same study, researchers demonstrated that this alteration leads to exon skipping in mRNA, with the loss of exon 7 as the most frequently observed effect; however, the amount of aberrant splicing observed was increased only 12% compared to wild type. In vitro experiments by the same group indicated that this splice impact resulted in some suppression of potassium channel currents, but the clinical relevance of the observed degree of current reduction is unclear (Tsuji-Wakisaka K et al. Biochim. Biophys. Acta, 2011 Nov;1812:1452-9). This nucleotide position is not well conserved in available vertebrate species. In silico splice site analysis predicts that this alteration may weaken the native splice donor site. Since supporting evidence is limited at this time, the clinical significance of this alteration remains unclear.

Literature cited by the submitters: PubMed 21810471.

NM_000218.3(KCNQ1):c.1032+3A>G

Gene: KCNQ1 (potassium voltage-gated channel subfamily Q member 1; plus strand). Cytogenetic location: 11p15.5.
Variant type: single nucleotide variant.
Coding change: c.1032+3A>G on transcript NM_000218.3 (MANE Select); 3 bases into the intron after coding-DNA position 1032, A replaced by G.
Molecular consequence: intron variant.
Genome position (GRCh38, 1-based): chr11:2,583,548, A>G. VCF-style: chr11-2583548-A-G. GRCh37 (hg19) VCF-style: chr11-2604778-A-G.
Other names: c.762+3A>G (NM_001406837.1); c.1032+3A>G (NM_001406836.1); c.588+3A>G (NM_001406838.1); c.651+3A>G (NM_181798.2).
Identifiers: ClinVar variation 1771383 (VCV001771383.2), dbSNP rs2493696404, ClinGen allele CA2580082607.
Genomic context (GRCh38, chr11:2,583,548, plus strand): 5'-GAAGACCATCGCCTCCTGCTTCTCTGTCTTTGCCATCTCCTTCTTTGCGCTCCCAGCGGT[A>G]GGTGCCCCGTGGGTGCGTTTTCCCTGGCTCCTTGGACAGCTGGGGTCCTGGGGTGGCTGC-3'